The following is an entry in ClinVar:

ClinVar aggregate classification (germline): Uncertain significance (0 of 4 stars; one submission).

Conditions:
CPE-related disorder. Also called: CPE-related condition.

Submissions (2):

PreventionGenetics, part of Exact Sciences
Classification: Uncertain significance for CPE-related condition. Last evaluated: 2023-11-11. Review status: no assertion criteria provided. Collection method: clinical testing. Allele origin: germline.
Comment: The CPE c.945C>A variant is predicted to result in the amino acid substitution p.Asn315Lys. To our knowledge, this variant has not been reported in the literature or in a large population database, indicating this variant is rare. At this time, the clinical significance of this variant is uncertain due to the absence of conclusive functional and genetic evidence.

Dr. Peter K. Rogan Lab, Western University
No classification provided (evidence only). Condition: Lung cancer. Review status: no classification provided. Collection method: in vitro. Allele origin: not applicable. Functional consequence: retained intron. Not counted in ClinVar's aggregate classification.

NM_001873.4(CPE):c.945C>A (p.Asn315Lys)

Gene: CPE (carboxypeptidase E; plus strand). Cytogenetic location: 4q32.3.
Variant type: single nucleotide variant.
Coding change: c.945C>A on transcript NM_001873.4 (MANE Select); coding-DNA position 945, C replaced by A.
Protein change: p.Asn315Lys; replaces asparagine 315 with lysine.
Molecular consequence: missense variant.
Genome position (GRCh38, 1-based): chr4:165,484,576, C>A. VCF-style: chr4-165484576-C-A. GRCh37 (hg19) VCF-style: chr4-166405728-C-A.
Other names: NC_000004.11:g.166405728C>A; short protein forms N315K.
Identifiers: ClinVar variation 3354987 (VCV003354987.2).